The following is an entry in ClinVar:

ClinVar aggregate classification (germline): Conflicting classifications of pathogenicity. Review status: criteria provided, conflicting classifications (1 of 4 stars). 3 submissions from 3 submitters: Likely pathogenic (1); Uncertain significance (2). Last evaluated 2025-10-23.

Conditions:
Charcot-Marie-Tooth disease. Also called: Charcot-Marie-Tooth Hereditary Neuropathy; Charcot-Marie-Tooth Neuropathy. Identifiers: Orphanet 166, MedGen C0007959, MONDO:0015626.
Charcot-Marie-Tooth disease, type I (CMT1). Also called: Charcot-Marie-Tooth disease type 1; Charcot-Marie-Tooth, Type 1. Identifiers: Orphanet 65753, MedGen C0751036, MONDO:0019011.
Charcot-Marie-Tooth disease type 2I (CMT2I). Also called: CHARCOT-MARIE-TOOTH DISEASE, AXONAL, TYPE 2I. Identifiers: Orphanet 99942, MedGen C3888087, MONDO:0011889, OMIM 607677.

Submissions (3):

Labcorp Genetics (formerly Invitae), Labcorp
Classification: Uncertain significance for Charcot-Marie-Tooth disease, type I. Last evaluated: 2025-10-23. Review status: criteria provided, single submitter. Criteria: Invitae Variant Classification Sherloc (09022015). Collection method: clinical testing. Allele origin: germline.
Comment: This sequence change replaces proline, which is neutral and non-polar, with threonine, which is neutral and polar, at codon 70 of the MPZ protein (p.Pro70Thr). This variant is not present in population databases (gnomAD no frequency). This missense change has been observed in individual(s) with Charcot-Marie-Tooth disease (PMID: 32376792). ClinVar contains an entry for this variant (Variation ID: 917380). Invitae Evidence Modeling of protein sequence and biophysical properties (such as structural, functional, and spatial information, amino acid conservation, physicochemical variation, residue mobility, and thermodynamic stability) indicates that this missense variant is not expected to disrupt MPZ protein function with a negative predictive value of 80%. This variant disrupts the p.Pro70 amino acid residue in MPZ. Other variant(s) that disrupt this residue have been determined to be pathogenic (PMID: 17940173, 29687021). This suggests that this residue is clinically significant, and that variants that disrupt this residue are likely to be disease-causing. In summary, the available evidence is currently insufficient to determine the role of this variant in disease. Therefore, it has been classified as a Variant of Uncertain Significance.

Kariminejad - Najmabadi Pathology & Genetics Center
Classification: Likely pathogenic for Charcot-Marie-Tooth disease type 2I. Last evaluated: 2024-03-25. Review status: criteria provided, single submitter. Criteria: ACMG Guidelines, 2015. Collection method: clinical testing. Allele origin: germline. Inheritance: Autosomal dominant inheritance. Affected: yes.
Comment: PM5,PM2,PP2,PM1

Molecular Genetics Laboratory, London Health Sciences Centre
Classification: Uncertain significance for Charcot-Marie-Tooth disease. Review status: criteria provided, single submitter. Criteria: ACMG Guidelines, 2015. Collection method: clinical testing. Allele origin: germline. Affected: yes.

Literature cited by the submitters: PubMed 32376792 (cited by Labcorp Genetics (formerly Invitae), Labcorp); PubMed 17940173 (cited by Labcorp Genetics (formerly Invitae), Labcorp); PubMed 29687021 (cited by Labcorp Genetics (formerly Invitae), Labcorp).

NM_000530.8(MPZ):c.208C>A (p.Pro70Thr)

Gene: MPZ (myelin protein zero; minus strand). Cytogenetic location: 1q23.3.
Variant type: single nucleotide variant.
Coding change: c.208C>A on transcript NM_000530.8 (MANE Select); coding-DNA position 208, C replaced by A.
Protein change: p.Pro70Thr; replaces proline 70 with threonine.
Molecular consequence: missense variant.
Genome position (GRCh38, 1-based): chr1:161,307,284, G>T on the plus strand (C>A on the coding strand, the complement: MPZ is on the minus strand). VCF-style: chr1-161307284-G-T. GRCh37 (hg19) VCF-style: chr1-161277074-G-T.
Other names: c.208C>A, p.Pro70Thr (NM_001315491.2); short protein forms P70T.
Identifiers: ClinVar variation 917380 (VCV000917380.3), dbSNP rs1571819890, ClinGen allele CA343350445.